The following is an entry in ClinVar:

NM_030787.4(CFHR5):c.1704T>A (p.Cys568Ter)

Gene: CFHR5 (complement factor H related 5; plus strand). Cytogenetic location: 1q31.3.
Variant type: single nucleotide variant.
Coding change: c.1704T>A on transcript NM_030787.4 (MANE Select); coding-DNA position 1704, T replaced by A.
Protein change: p.Cys568Ter; replaces cysteine 568 with a stop codon.
Molecular consequence: nonsense.
Genome position (GRCh38, 1-based): chr1:197,008,677, T>A. VCF-style: chr1-197008677-T-A. GRCh37 (hg19) VCF-style: chr1-196977807-T-A.
Other names: p.Cys568*; short protein forms C568*.
Identifiers: ClinVar variation 789701 (VCV000789701.27), dbSNP rs143140599, ClinGen allele CA1308152.

ClinVar aggregate classification (germline): Benign/Likely benign. Review status: criteria provided, multiple submitters, no conflicts (2 of 4 stars). 9 submissions from 9 submitters: Benign (8); Likely benign (1). Last evaluated 2026-02-06.

Conditions:
CFHR5 deficiency. Identifiers: MedGen C3553720.
CFH-Related Dense Deposit Disease / Membranoproliferative Glomerulonephritis Type II. Identifiers: MedGen CN071292.
Kidney disorder. Also called: renal disorder; Kidney disease; Kidney Diseases; Nephropathy; renal disease. Identifiers: MedGen C0022658, MONDO:0005240, HP:0000112.

Allele frequency attached by ClinVar (database versions not stated): gnomAD exomes 0.00211; ExAC 0.00251; gnomAD 0.00715 and 0.00764; ESP Exome Variant Server 0.00823; TOPMed 0.00855; 1000 Genomes Project 0.00998; 1000 Genomes Project 30x 0.01077.
gnomAD v4.1: 2,247 of 1,611,556 alleles (0.14%); highest among the groups gnomAD compares: African/African-American, 2.5%; 26 homozygotes.

Submissions (9):

Women's Health and Genetics/Laboratory Corporation of America, LabCorp
Classification: Benign. Last evaluated: 2026-02-06. Review status: criteria provided, single submitter. Criteria: LabCorp Variant Classification Summary - May 2015. Collection method: clinical testing. Allele origin: germline.
Comment: Variant summary: CFHR5 c.1704T>A (p.Cys568X) results in a premature termination codon, predicted to cause a truncation of the encoded protein or absence of the protein due to nonsense mediated decay, however current evidence is not sufficient to establish loss of function as a mechanism for disease. The variant allele was found at a frequency of 0.0021 in 251186 control chromosomes in the gnomAD database, including 5 homozygotes. The observed variant frequency exceeds the estimated maximal expected allele frequency for disease-causing variants in CFHR5. To our knowledge, no occurrence of c.1704T>A in individuals affected with CFHR5-related conditions and no experimental evidence demonstrating its impact on protein function have been reported. ClinVar contains an entry for this variant (Variation ID: 789701). Based on the evidence outlined above, the variant was classified as benign.

Labcorp Genetics (formerly Invitae), Labcorp
Classification: Benign. Last evaluated: 2026-01-28. Review status: criteria provided, single submitter. Criteria: Invitae Variant Classification Sherloc (09022015). Collection method: clinical testing. Allele origin: germline.

CeGaT Center for Human Genetics Tuebingen
Classification: Benign. Last evaluated: 2026-01-01. Review status: criteria provided, single submitter. Criteria: CeGaT Center For Human Genetics Tuebingen Variant Classification Criteria Version 2. Collection method: clinical testing. Allele origin: germline. Affected: yes. Observed: 1 variant allele.
Comment: CFHR5: BS1, BS2

Mayo Clinic Laboratories, Mayo Clinic
Classification: Likely benign. Last evaluated: 2025-08-03. Review status: criteria provided, single submitter. Criteria: ACMG Guidelines, 2015. Collection method: clinical testing. Allele origin: germline. Observed: 31 variant alleles.
Comment: BS1

Genome-Nilou Lab
Classification: Benign for C3 glomerulonephritis. Last evaluated: 2023-04-11. Review status: criteria provided, single submitter. Criteria: ACMG Guidelines, 2015. Collection method: clinical testing. Allele origin: germline. Affected: no.

Genome Diagnostics Laboratory, The Hospital for Sick Children
Classification: Benign for Kidney disorder. Last evaluated: 2020-01-01. Review status: criteria provided, single submitter. Criteria: ACMG Guidelines, 2015. Collection method: clinical testing. Allele origin: germline.

Genetic Services Laboratory, University of Chicago
Classification: Benign. Last evaluated: 2018-12-05. Review status: criteria provided, single submitter. Criteria: ACMG Guidelines, 2015. Collection method: clinical testing. Allele origin: germline. Affected: no.

Illumina Laboratory Services, Illumina
Classification: Benign for Membranoproliferative glomerulonephritis with complement factor h deficiency. Last evaluated: 2018-01-12. Review status: criteria provided, single submitter. Criteria: ICSL Variant Classification Criteria 13 December 2019. Collection method: clinical testing. Allele origin: germline.
Comment: This variant was observed in the ICSL laboratory as part of a predisposition screen in an ostensibly healthy population. It had not been previously curated by ICSL or reported in the Human Gene Mutation Database (HGMD: prior to June 1st, 2018), and was therefore a candidate for classification through an automated scoring system. Utilizing variant allele frequency, disease prevalence and penetrance estimates, and inheritance mode, an automated score was calculated to assess if this variant is too frequent to cause the disease. Based on the score and internal cut-off values, a variant classified as benign is not then subjected to further curation. The score for this variant resulted in a classification of benign for this disease.

Breakthrough Genomics
Classification: Benign. Review status: criteria provided, single submitter. Criteria: ACMG Guidelines, 2015. Collection method: not provided. Allele origin: germline. Inheritance: Autosomal dominant inheritance. Affected: yes.

Literature cited by the submitters: PubMed 19365580 (cited by Mayo Clinic Laboratories, Mayo Clinic); PubMed 29148534 (cited by Mayo Clinic Laboratories, Mayo Clinic); PubMed 30225434 (cited by Mayo Clinic Laboratories, Mayo Clinic).